The following is an entry in ClinVar:

NM_016373.4(WWOX):c.915C>A (p.Asn305Lys)

Gene: WWOX (WW domain containing oxidoreductase; plus strand). Cytogenetic location: 16q23.1.
Variant type: single nucleotide variant.
Coding change: c.915C>A on transcript NM_016373.4 (MANE Select); coding-DNA position 915, C replaced by A.
Protein change: p.Asn305Lys; replaces asparagine 305 with lysine.
Molecular consequence: missense variant.
Genome position (GRCh38, 1-based): chr16:78,432,611, C>A. VCF-style: chr16-78432611-C-A. GRCh37 (hg19) VCF-style: chr16-78466508-C-A.
Other names: c.576C>A, p.Asn192Lys (NM_001291997.2); short protein forms N192K, N305K.
Identifiers: ClinVar variation 1059281 (VCV001059281.9), dbSNP rs201818301, ClinGen allele CA8183550.

ClinVar aggregate classification (germline): Uncertain significance (1 of 4 stars; one submission).

Conditions:
Autosomal recessive spinocerebellar ataxia 12. Also called: SPINOCEREBELLAR ATAXIA WITH MENTAL RETARDATION AND EPILEPSY. Identifiers: Orphanet 284282, MedGen C3280452, MONDO:0013687, OMIM 614322.
Developmental and epileptic encephalopathy, 1 (DEE1). Also called: X-linked infantile spasms; West's syndrome; Tonic spasms with clustering, arrest of psychomotor development and hypsarrhythmia on EEG; X-Linked Infantile Spasm Syndrome; OHTAHARA SYNDROME, X-LINKED; Epileptic encephalopathy, early infantile, 1. Identifiers: MedGen C3463992, MONDO:0010632, OMIM 308350. Disease mechanism: loss of function.

gnomAD v4.1: 6 of 1,614,224 alleles (0.00037%); highest among the groups gnomAD compares: South Asian, 0.0055%; no homozygotes.

Submission:

Labcorp Genetics (formerly Invitae), Labcorp
Classification: Uncertain significance for Developmental and epileptic encephalopathy, 1; Autosomal recessive spinocerebellar ataxia 12. Last evaluated: 2022-06-17. Review status: criteria provided, single submitter. Criteria: Invitae Variant Classification Sherloc (09022015). Collection method: clinical testing. Allele origin: germline.
Comment: In summary, the available evidence is currently insufficient to determine the role of this variant in disease. Therefore, it has been classified as a Variant of Uncertain Significance. Algorithms developed to predict the effect of sequence changes on RNA splicing suggest that this variant may create or strengthen a splice site. Algorithms developed to predict the effect of missense changes on protein structure and function are either unavailable or do not agree on the potential impact of this missense change (SIFT: "Not Available"; PolyPhen-2: "Benign"; Align-GVGD: "Not Available"). ClinVar contains an entry for this variant (Variation ID: 1059281). This variant has not been reported in the literature in individuals affected with WWOX-related conditions. This variant is present in population databases (rs201818301, gnomAD 0.003%). This sequence change replaces asparagine, which is neutral and polar, with lysine, which is basic and polar, at codon 305 of the WWOX protein (p.Asn305Lys).